The following is an entry in ClinVar:

NM_181503.3(EXOSC8):c.224A>T (p.Asp75Val)

Gene: EXOSC8 (exosome component 8; plus strand). Cytogenetic location: 13q13.3.
Variant type: single nucleotide variant.
Coding change: c.224A>T on transcript NM_181503.3 (MANE Select); coding-DNA position 224, A replaced by T.
Protein change: p.Asp75Val; replaces aspartic acid 75 with valine.
Molecular consequence: missense variant.
Genome position (GRCh38, 1-based): chr13:37,004,547, A>T. VCF-style: chr13-37004547-A-T. GRCh37 (hg19) VCF-style: chr13-37578684-A-T.
Other names: short protein forms D75V.
Identifiers: ClinVar variation 1975659 (VCV001975659.5), dbSNP rs2501602930, ClinGen allele CA387868403.

ClinVar aggregate classification (germline): Uncertain significance (1 of 4 stars; one submission).

Submission:

Labcorp Genetics (formerly Invitae), Labcorp
Classification: Uncertain significance. Last evaluated: 2022-12-04. Review status: criteria provided, single submitter. Criteria: Invitae Variant Classification Sherloc (09022015). Collection method: clinical testing. Allele origin: germline.
Comment: This sequence change replaces aspartic acid, which is acidic and polar, with valine, which is neutral and non-polar, at codon 75 of the EXOSC8 protein (p.Asp75Val). This variant is not present in population databases (gnomAD no frequency). This variant has not been reported in the literature in individuals affected with EXOSC8-related conditions. Advanced modeling of protein sequence and biophysical properties (such as structural, functional, and spatial information, amino acid conservation, physicochemical variation, residue mobility, and thermodynamic stability) performed at Invitae indicates that this missense variant is not expected to disrupt EXOSC8 protein function. In summary, the available evidence is currently insufficient to determine the role of this variant in disease. Therefore, it has been classified as a Variant of Uncertain Significance.